The following is an entry in ClinVar:

NM_004006.3(DMD):c.5104T>C (p.Leu1702=)

Gene: DMD (dystrophin; minus strand). Cytogenetic location: Xp21.1.
Variant type: single nucleotide variant.
Coding change: c.5104T>C on transcript NM_004006.3 (MANE Select); coding-DNA position 5104, T replaced by C.
Protein change: p.Leu1702=; no amino-acid change (leucine 1702 retained).
Molecular consequence: synonymous variant.
Genome position (GRCh38, 1-based): chrX:32,364,632, A>G on the plus strand (T>C on the coding strand, the complement: DMD is on the minus strand). VCF-style: chrX-32364632-A-G. GRCh37 (hg19) VCF-style: chrX-32382749-A-G.
Other names: c.5080T>C, p.Leu1694= (NM_000109.4); c.5092T>C, p.Leu1698= (NM_004009.3); c.4735T>C, p.Leu1579= (NM_004010.3); c.1081T>C, p.Leu361= (NM_004011.4); c.1072T>C, p.Leu358= (NM_004012.4).
Identifiers: ClinVar variation 526123 (VCV000526123.18), dbSNP rs750664323, ClinGen allele CA10378775.

ClinVar aggregate classification (germline): Likely benign. Review status: criteria provided, multiple submitters, no conflicts (2 of 4 stars). 4 submissions from 4 submitters: Likely benign (2). 2 of the submissions do not count toward it. Last evaluated 2026-01-25.

Conditions:
DMD-related disorder. Also called: DMD-related condition.
Dystrophin deficiency.
Cardiomyopathy (CMYO). Also called: Cardiomyopathies. Identifiers: Orphanet 167848, MedGen C0878544, MONDO:0004994, HP:0001638. Inheritance: Various modes of inheritance.
Becker muscular dystrophy (BMD). Also called: Becker Muscular Dystrophy (BMD); MUSCULAR DYSTROPHY, PSEUDOHYPERTROPHIC PROGRESSIVE, BECKER TYPE. Identifiers: Orphanet 98895, MedGen C0917713, MONDO:0010311, OMIM 300376.
Duchenne muscular dystrophy (DMD). Also called: Duchenne Muscular Dystrophy (DMD); MUSCULAR DYSTROPHY, PSEUDOHYPERTROPHIC PROGRESSIVE, DUCHENNE TYPE. Identifiers: Orphanet 98896, MedGen C0013264, MONDO:0010679, OMIM 310200.
Cardiovascular phenotype. Identifiers: MedGen CN230736.

Allele frequency attached by ClinVar (database versions not stated): TOPMed below 0.00001; ExAC 0.00001; gnomAD exomes 0.00001 and 0.00004.
gnomAD v4.1: 10 of 1,210,666 alleles (0.00083%); highest among the groups gnomAD compares: Admixed American, 0.017%; no homozygotes.

Submissions (4):

Labcorp Genetics (formerly Invitae), Labcorp
Classification: Likely benign for Duchenne muscular dystrophy. Last evaluated: 2026-01-25. Review status: criteria provided, single submitter. Criteria: Invitae Variant Classification Sherloc (09022015). Collection method: clinical testing. Allele origin: germline.

Ambry Genetics
Classification: Likely benign for Cardiovascular phenotype. Last evaluated: 2019-11-01. Review status: criteria provided, single submitter. Criteria: Ambry Variant Classification Scheme 2023. Collection method: clinical testing. Allele origin: germline.

PreventionGenetics, part of Exact Sciences
Classification: Likely benign for DMD-related condition. Last evaluated: 2021-06-18. Review status: no assertion criteria provided. Collection method: clinical testing. Allele origin: germline. Not counted in ClinVar's aggregate classification.
Comment: This variant is classified as likely benign based on ACMG/AMP sequence variant interpretation guidelines (Richards et al. 2015 PMID: 25741868, with internal and published modifications).

Natera, Inc.
Classification: Likely benign for Becker muscular dystrophy; Cardiomyopathy; Duchenne muscular dystrophy; Dystrophin deficiency. Last evaluated: 2018-10-06. Review status: no assertion criteria provided. Collection method: clinical testing. Allele origin: germline. Not counted in ClinVar's aggregate classification.